The following is an entry in ClinVar:

NM_001031710.3(KLHL7):c.1057G>A (p.Asp353Asn)

Gene: KLHL7 (kelch like family member 7; plus strand). Cytogenetic location: 7p15.3.
Variant type: single nucleotide variant.
Coding change: c.1057G>A on transcript NM_001031710.3 (MANE Select); coding-DNA position 1057, G replaced by A.
Protein change: p.Asp353Asn; replaces aspartic acid 353 with asparagine.
Molecular consequence: missense variant. On other transcripts: non-coding transcript variant (1).
Genome position (GRCh38, 1-based): chr7:23,165,818, G>A. VCF-style: chr7-23165818-G-A. GRCh37 (hg19) VCF-style: chr7-23205437-G-A.
Other names: c.913G>A, p.Asp305Asn (NM_018846.5); short protein forms D305N, D353N.
Identifiers: ClinVar variation 4083175 (VCV004083175.1).
Genomic context (GRCh38, chr7:23,165,818, plus strand): 5'-TTTTGGGACAATGTAGTATACATTTTGGGAGGCTCTCAGCTTTTCCCAATAAAGCGAATG[G>A]ACTGCTATAATGTAGTGAAGGATAGCTGGTATTCGAAACTGGGTCCTCCGACACCTCGAG-3'
Protein context (NP_001026880.2, residues 343-363): GSQLFPIKRM[Asp353Asn]CYNVVKDSWY

ClinVar aggregate classification (germline): Uncertain significance (1 of 4 stars; one submission).

Submission:

GeneDx
Classification: Uncertain significance. Last evaluated: 2025-03-15. Review status: criteria provided, single submitter. Criteria: GeneDx Variant Classification Process June 2021. Collection method: clinical testing. Allele origin: germline. Affected: yes.
Comment: Not observed at significant frequency in large population cohorts (gnomAD); In silico analysis supports that this missense variant has a deleterious effect on protein structure/function; Has not been previously published as pathogenic or benign to our knowledge